The following is an entry in ClinVar:

NM_001128164.2(ATXN1):c.1748C>T (p.Ala583Val)

Gene: ATXN1 (ataxin 1; minus strand). Cytogenetic location: 6p22.3.
Variant type: single nucleotide variant.
Coding change: c.1748C>T on transcript NM_001128164.2 (MANE Select); coding-DNA position 1748, C replaced by T.
Protein change: p.Ala583Val; replaces alanine 583 with valine.
Molecular consequence: missense variant. On other transcripts: 3 prime UTR variant (1).
Genome position (GRCh38, 1-based): chr6:16,326,563, G>A on the plus strand (C>T on the coding strand, the complement: ATXN1 is on the minus strand). VCF-style: chr6-16326563-G-A. GRCh37 (hg19) VCF-style: chr6-16326794-G-A.
Other names: c.1748C>T, p.Ala583Val (NM_000332.4); c.*1161C>T (NM_001357857.2); short protein forms A583V.
Identifiers: ClinVar variation 3364296 (VCV003364296.1).

ClinVar aggregate classification (germline): Uncertain significance (1 of 4 stars; one submission).

gnomAD v4.1: 1 of 1,614,142 alleles (0.000062%); highest among the groups gnomAD compares: Admixed American, 0.0017%; no homozygotes.

Submission:

GeneDx
Classification: Uncertain significance. Last evaluated: 2023-11-13. Review status: criteria provided, single submitter. Criteria: GeneDx Variant Classification Process June 2021. Collection method: clinical testing. Allele origin: germline. Affected: yes.
Comment: In silico analysis supports that this missense variant has a deleterious effect on protein structure/function; Has not been previously published as pathogenic or benign to our knowledge